The following is an entry in ClinVar:

ClinVar aggregate classification (germline): Pathogenic. Review status: criteria provided, single submitter (1 of 4 stars). 2 submissions from 2 submitters: Pathogenic (1). 1 of the submissions does not count toward it. Last evaluated 2023-12-04.

Conditions:
GNPTG-mucolipidosis. Also called: ML III GAMMA; ML IIIC; MUCOLIPIDOSIS III, COMPLEMENTATION GROUP C; MUCOLIPIDOSIS III, IRANIAN VARIANT FORM; MUCOLIPIDOSIS III, VARIANT FORM; Mucolipidosis type III gamma. Identifiers: Orphanet 423470, Orphanet 577, MedGen C1854896, MONDO:0009652, OMIM 252605.

Allele frequency attached by ClinVar (database versions not stated): gnomAD exomes below 0.00001.

Submissions (2):

Labcorp Genetics (formerly Invitae), Labcorp
Classification: Pathogenic. Last evaluated: 2023-12-04. Review status: criteria provided, single submitter. Criteria: Invitae Variant Classification Sherloc (09022015). Collection method: clinical testing. Allele origin: germline.
Comment: This sequence change affects an acceptor splice site in intron 5 of the GNPTG gene. RNA analysis indicates that disruption of this splice site induces altered splicing and may result in an absent or disrupted protein product. This variant is present in population databases (rs193302847, gnomAD 0.0009%). Disruption of this splice site has been observed in individuals with mucolipidosis III gamma (PMID: 15060128, 29704188). This variant is also known as IVS5-1G>C. ClinVar contains an entry for this variant (Variation ID: 21714). Studies have shown that disruption of this splice site results in skipping of exon 6 and introduces a premature termination codon (PMID: 15060128). The resulting mRNA is expected to undergo nonsense-mediated decay. For these reasons, this variant has been classified as Pathogenic.

GeneReviews
No classification provided. Condition: GNPTG-mucolipidosis. Review status: no classification provided. Collection method: literature only. Allele origin: unknown. Not counted in ClinVar's aggregate classification.

Literature cited by the submitters: PubMed 15060128 (cited by Labcorp Genetics (formerly Invitae), Labcorp); PubMed 29704188 (cited by Labcorp Genetics (formerly Invitae), Labcorp); PubMed 20301784 (cited by GeneReviews); NCBI Bookshelf NBK24701 (cited by GeneReviews).

NM_032520.5(GNPTG):c.318-1G>C

Gene: GNPTG (N-acetylglucosamine-1-phosphate transferase subunit gamma; plus strand). Cytogenetic location: 16p13.3.
Variant type: single nucleotide variant.
Coding change: c.318-1G>C on transcript NM_032520.5 (MANE Select); the canonical splice acceptor site of the intron before coding-DNA position 318, G replaced by C.
Molecular consequence: splice acceptor variant.
Genome position (GRCh38, 1-based): chr16:1,362,037, G>C. VCF-style: chr16-1362037-G-C. GRCh37 (hg19) VCF-style: chr16-1412038-G-C.
Identifiers: ClinVar variation 21714 (VCV000021714.9), dbSNP rs193302847, ClinGen allele CA342403.